The following is an entry in ClinVar:

NM_001040108.2(MLH3):c.2842A>C (p.Asn948His)

Gene: MLH3 (mutL homolog 3; minus strand). Cytogenetic location: 14q24.3.
Variant type: single nucleotide variant.
Coding change: c.2842A>C on transcript NM_001040108.2 (MANE Select); coding-DNA position 2842, A replaced by C.
Protein change: p.Asn948His; replaces asparagine 948 with histidine.
Molecular consequence: missense variant.
Genome position (GRCh38, 1-based): chr14:75,046,814, T>G on the plus strand (A>C on the coding strand, the complement: MLH3 is on the minus strand). VCF-style: chr14-75046814-T-G. GRCh37 (hg19) VCF-style: chr14-75513517-T-G.
Other names: c.2842A>C, p.Asn948His (NM_014381.3); c.2842A>C (NM_001040108.1); short protein forms N948H.
Identifiers: ClinVar variation 1010520 (VCV001010520.9), dbSNP rs1892266280, ClinGen allele CA390438120.

ClinVar aggregate classification (germline): Uncertain significance. Review status: criteria provided, multiple submitters, no conflicts (2 of 4 stars). 2 submissions from 2 submitters: Uncertain significance (2). Last evaluated 2025-12-23.

Conditions:
Colorectal cancer, hereditary nonpolyposis, type 7. Identifiers: Orphanet 144, MedGen C1858380, MONDO:0013725, OMIM 614385.

Submissions (2):

Ambry Genetics
Classification: Uncertain significance. Last evaluated: 2025-12-23. Review status: criteria provided, single submitter. Criteria: Ambry Variant Classification Scheme 2023. Collection method: clinical testing. Allele origin: germline.
Comment: The p.N948H variant (also known as c.2842A>C), located in coding exon 1 of the MLH3 gene, results from an A to C substitution at nucleotide position 2842. The asparagine at codon 948 is replaced by histidine, an amino acid with similar properties. This amino acid position is conserved. In addition, this alteration is predicted to be tolerated by in silico analysis. Based on the available evidence, the clinical significance of this variant remains unclear.

Labcorp Genetics (formerly Invitae), Labcorp
Classification: Uncertain significance for Colorectal cancer, hereditary nonpolyposis, type 7. Last evaluated: 2020-05-20. Review status: criteria provided, single submitter. Criteria: Invitae Variant Classification Sherloc (09022015). Collection method: clinical testing. Allele origin: germline.
Comment: Algorithms developed to predict the effect of missense changes on protein structure and function output the following: SIFT: "Tolerated"; PolyPhen-2: "Benign"; Align-GVGD: "Class C0". The histidine amino acid residue is found in multiple mammalian species, suggesting that this missense change does not adversely affect protein function. These predictions have not been confirmed by published functional studies and their clinical significance is uncertain. In summary, the available evidence is currently insufficient to determine the role of this variant in disease. Therefore, it has been classified as a Variant of Uncertain Significance. This variant has not been reported in the literature in individuals with MLH3-related conditions. This variant is not present in population databases (ExAC no frequency). This sequence change replaces asparagine with histidine at codon 948 of the MLH3 protein (p.Asn948His). The asparagine residue is weakly conserved and there is a small physicochemical difference between asparagine and histidine.